The following is an entry in ClinVar:

ClinVar aggregate classification (germline): Pathogenic (1 of 4 stars; one submission).

Conditions:
Hereditary spastic paraplegia 4. Also called: Spastic paraplegia 4, autosomal dominant; Spastic Paraplegia 4; Familial spastic paraplegia autosomal dominant 2. Identifiers: Orphanet 100985, MedGen C1866855, MONDO:0008438, OMIM 182601.

Submission:

Labcorp Genetics (formerly Invitae), Labcorp
Classification: Pathogenic for Hereditary spastic paraplegia 4. Last evaluated: 2024-07-22. Review status: criteria provided, single submitter. Criteria: Invitae Variant Classification Sherloc (09022015). Collection method: clinical testing. Allele origin: germline.
Comment: This sequence change creates a premature translational stop signal (p.Val416Glyfs*27) in the SPAST gene. It is expected to result in an absent or disrupted protein product. Loss-of-function variants in SPAST are known to be pathogenic (PMID: 20932283). This variant is not present in population databases (gnomAD no frequency). This variant has not been reported in the literature in individuals affected with SPAST-related conditions. Algorithms developed to predict the effect of sequence changes on RNA splicing suggest that this variant may disrupt the consensus splice site. For these reasons, this variant has been classified as Pathogenic.

Literature cited by the submitters: PubMed 20932283.

NC_000002.12:g.32136563dup

Gene: SPAST (spastin; plus strand). Cytogenetic location: 2p22.3.
Variant type: Duplication.
Genome position: GRCh38 VCF-style: chr2-32136561-A-AG. GRCh37 (hg19) VCF-style: chr2-32361630-A-AG.
Identifiers: ClinVar variation 3660184 (VCV003660184.2).